The following is an entry in ClinVar:

ClinVar aggregate classification (germline): Uncertain significance. Review status: criteria provided, multiple submitters, no conflicts (2 of 4 stars). 2 submissions from 2 submitters: Uncertain significance (2). Last evaluated 2026-03-12.

Conditions:
Inborn genetic diseases. Identifiers: MedGen C0950123, MeSH D030342.

gnomAD v4.1: 1 of 1,614,156 alleles (0.000062%); highest among the groups gnomAD compares: Non-Finnish European, 0.000085%; no homozygotes.

Submissions (2):

Ambry Genetics
Classification: Uncertain significance for Inborn genetic diseases. Last evaluated: 2026-03-12. Review status: criteria provided, single submitter. Criteria: Ambry Variant Classification Scheme 2023. Collection method: clinical testing. Allele origin: germline.
Comment: The p.P192L variant (also known as c.575C>T), located in coding exon 5 of the ETV6 gene, results from a C to T substitution at nucleotide position 575. The proline at codon 192 is replaced by leucine, an amino acid with similar properties. This amino acid position is conserved. In addition, this alteration is predicted to be tolerated by in silico analysis. Based on the available evidence, the clinical significance of this variant remains unclear.

Labcorp Genetics (formerly Invitae), Labcorp
Classification: Uncertain significance. Last evaluated: 2023-04-29. Review status: criteria provided, single submitter. Criteria: Invitae Variant Classification Sherloc (09022015). Collection method: clinical testing. Allele origin: germline.
Comment: In summary, the available evidence is currently insufficient to determine the role of this variant in disease. Therefore, it has been classified as a Variant of Uncertain Significance. Advanced modeling of protein sequence and biophysical properties (such as structural, functional, and spatial information, amino acid conservation, physicochemical variation, residue mobility, and thermodynamic stability) performed at Invitae indicates that this missense variant is not expected to disrupt ETV6 protein function. This variant has not been reported in the literature in individuals affected with ETV6-related conditions. This variant is not present in population databases (gnomAD no frequency). This sequence change replaces proline, which is neutral and non-polar, with leucine, which is neutral and non-polar, at codon 192 of the ETV6 protein (p.Pro192Leu).

NM_001987.5(ETV6):c.575C>T (p.Pro192Leu)

Gene: ETV6 (ETS variant transcription factor 6; plus strand). Cytogenetic location: 12p13.2.
Variant type: single nucleotide variant.
Coding change: c.575C>T on transcript NM_001987.5 (MANE Select); coding-DNA position 575, C replaced by T.
Protein change: p.Pro192Leu; replaces proline 192 with leucine.
Molecular consequence: missense variant.
Genome position (GRCh38, 1-based): chr12:11,869,535, C>T. VCF-style: chr12-11869535-C-T. GRCh37 (hg19) VCF-style: chr12-12022469-C-T.
Other names: c.572C>T, p.Pro191Leu (NM_001413913.1); c.548C>T, p.Pro183Leu (NM_001413914.1); c.311C>T, p.Pro104Leu (NM_001413915.1); c.575C>T, p.Pro192Leu (NM_001413916.1, NM_001413917.1); short protein forms P104L, P191L, P192L, P183L.
Identifiers: ClinVar variation 2860605 (VCV002860605.4), dbSNP rs1032591469, ClinGen allele CA384043512.